The following is an entry in ClinVar:

ClinVar aggregate classification (germline): Uncertain significance. Review status: criteria provided, multiple submitters, no conflicts (2 of 4 stars). 2 submissions from 2 submitters: Uncertain significance (2). Last evaluated 2022-10-27.

Conditions:
Polymicrogyria, perisylvian, with cerebellar hypoplasia and arthrogryposis (NEDSPLB). Identifiers: MedGen C4225295, MONDO:0014679, OMIM 616531.

Allele frequency attached by ClinVar (database versions not stated): 1000 Genomes Project 30x 0.00031; ESP Exome Variant Server 0.00031; 1000 Genomes Project 0.00040.
gnomAD v4.1: 63 of 1,613,872 alleles (0.0039%); highest among the groups gnomAD compares: African/African-American, 0.076%; no homozygotes.

Submissions (2):

GeneDx
Classification: Uncertain significance. Last evaluated: 2022-10-27. Review status: criteria provided, single submitter. Criteria: GeneDx Variant Classification Process June 2021. Collection method: clinical testing. Allele origin: germline. Affected: yes.
Comment: In silico analysis supports that this missense variant has a deleterious effect on protein structure/function; Has not been previously published as pathogenic or benign to our knowledge

Baylor Genetics
Classification: Uncertain significance for Polymicrogyria, perisylvian, with cerebellar hypoplasia and arthrogryposis. Last evaluated: 2021-02-08. Review status: criteria provided, single submitter. Criteria: ACMG Guidelines, 2015. Collection method: clinical testing. Allele origin: unknown.

NM_058004.4(PI4KA):c.5116C>G (p.Pro1706Ala)

Gene: PI4KA (phosphatidylinositol 4-kinase alpha; minus strand). Cytogenetic location: 22q11.21.
Variant type: single nucleotide variant.
Coding change: c.5116C>G on transcript NM_058004.4 (MANE Select); coding-DNA position 5116, C replaced by G.
Protein change: p.Pro1706Ala; replaces proline 1706 with alanine.
Molecular consequence: missense variant.
Genome position (GRCh38, 1-based): chr22:20,721,298, G>C on the plus strand (C>G on the coding strand, the complement: PI4KA is on the minus strand). VCF-style: chr22-20721298-G-C. GRCh37 (hg19) VCF-style: chr22-21075586-G-C.
Other names: c.5023C>G, p.Pro1675Ala (NM_001362862.2); c.5050C>G, p.Pro1684Ala (NM_001362863.2); c.5116C>G (NM_058004.3); short protein forms P1675A, P1684A, P1706A.
Identifiers: ClinVar variation 2441835 (VCV002441835.2), dbSNP rs144899078, ClinGen allele CA10114827.
Genomic context (GRCh38, chr22:20,721,298, plus strand): 5'-AGGTGCTTGGCAGTGCACTGAAGACAGTAAGTGAGGCCTGTGGGAGGACAAAATACTCAC[G>C]GTCTTTCTGGTGGCCCTCTTCATCTAGATAAATGTTAGTCTTCATGTTCCAGATGAACTG-3'
Protein context (NP_477352.3, residues 1696-1716): YLDEEGHQKD[Pro1706Ala]DIGDLLDQLV